The following is an entry in ClinVar:

NM_001005373.4(LRSAM1):c.2090_2119del (p.Gln697_Cys706del)

Gene: LRSAM1 (leucine rich repeat and sterile alpha motif containing 1; plus strand). Cytogenetic location: 9q34.11.
Variant type: Deletion.
Coding change: c.2090_2119del on transcript NM_001005373.4 (MANE Select); coding-DNA positions 2090 to 2119, 30 bases deleted (AGCAGTGCTGCCAGCCACTGCGCACCTGCC).
Protein change: p.Gln697_Cys706del.
Molecular consequence: inframe deletion. On other transcripts: non-coding transcript variant (2).
Genome position (GRCh38, 1-based): chr9:127,502,817-127,502,846, AGCAGTGCTGCCAGCCACTGCGCACCTGCC deleted; deleting any 30 consecutive bases within chr9:127,502,812-127,502,846 gives the same sequence; the c. name uses the placement nearest the transcript's 3' end. VCF-style (leftmost placement, unchanged base first): chr9-127502811-GCTGCCAGCAGTGCTGCCAGCCACTGCGCAC-G. GRCh37 (hg19) VCF-style: chr9-130265090-GCTGCCAGCAGTGCTGCCAGCCACTGCGCAC-G.
Other names: c.2090_2119del, p.Gln697_Cys706del (NM_001005374.4, NM_001384142.1, NM_138361.5); c.2009_2038del, p.Gln670_Cys679del (NM_001190723.3); c.1991_2020del, p.Gln664_Cys673del (NM_001384143.1); c.1301_1330del, p.Gln434_Cys443del (NM_001384144.1).
Identifiers: ClinVar variation 4717132 (VCV004717132.1).

ClinVar aggregate classification (germline): Uncertain significance (1 of 4 stars; one submission).

Conditions:
Charcot-Marie-Tooth disease axonal type 2P. Also called: CHARCOT-MARIE-TOOTH NEUROPATHY, TYPE 2P; Charcot-Marie-Tooth Neuropathy Type 2G; CHARCOT-MARIE-TOOTH DISEASE, AXONAL, TYPE 2G; CMT 2G. Identifiers: Orphanet 300319, Orphanet 99941, MedGen C3280797, MONDO:0013753, OMIM 614436.

Submission:

Labcorp Genetics (formerly Invitae), Labcorp
Classification: Uncertain significance for Charcot-Marie-Tooth disease axonal type 2P. Last evaluated: 2025-06-03. Review status: criteria provided, single submitter. Criteria: Invitae Variant Classification Sherloc (09022015). Collection method: clinical testing. Allele origin: germline.
Comment: This variant, c.2090_2119del, results in the deletion of 10 amino acid(s) of the LRSAM1 protein (p.Gln697_Cys706del), but otherwise preserves the integrity of the reading frame. This variant is not present in population databases (gnomAD no frequency). This variant has been observed in individual(s) with clinical features of autosomal dominant Charcot-Marie-Tooth disease (internal data). It has also been observed to segregate with disease in related individuals. Experimental studies and prediction algorithms are not available or were not evaluated, and the functional significance of this variant is currently unknown. In summary, the available evidence is currently insufficient to determine the role of this variant in disease. Therefore, it has been classified as a Variant of Uncertain Significance.